The following is an entry in ClinVar:

ClinVar aggregate classification (germline): Uncertain significance. Review status: criteria provided, multiple submitters, no conflicts (2 of 4 stars). 2 submissions from 2 submitters: Uncertain significance (2). Last evaluated 2023-10-17.

Conditions:
Inborn genetic diseases. Identifiers: MedGen C0950123, MeSH D030342.
Syndromic multisystem autoimmune disease due to ITCH deficiency. Also called: AUTOIMMUNE DISEASE, MULTISYSTEM, WITH FACIAL DYSMORPHISM. Identifiers: Orphanet 228426, MedGen C3150649, MONDO:0013245, OMIM 613385.

Submissions (2):

Ambry Genetics
Classification: Uncertain significance for Inborn genetic diseases. Last evaluated: 2023-10-17. Review status: criteria provided, single submitter. Criteria: Ambry Variant Classification Scheme 2023. Collection method: clinical testing. Allele origin: germline.

Labcorp Genetics (formerly Invitae), Labcorp
Classification: Uncertain significance for Syndromic multisystem autoimmune disease due to ITCH deficiency. Last evaluated: 2022-01-28. Review status: criteria provided, single submitter. Criteria: Invitae Variant Classification Sherloc (09022015). Collection method: clinical testing. Allele origin: germline.
Comment: In summary, the available evidence is currently insufficient to determine the role of this variant in disease. Therefore, it has been classified as a Variant of Uncertain Significance. Algorithms developed to predict the effect of missense changes on protein structure and function are either unavailable or do not agree on the potential impact of this missense change (SIFT: "Not Available"; PolyPhen-2: "Benign"; Align-GVGD: "Not Available"). This variant has not been reported in the literature in individuals affected with ITCH-related conditions. This variant is not present in population databases (gnomAD no frequency). This sequence change replaces leucine, which is neutral and non-polar, with valine, which is neutral and non-polar, at codon 558 of the ITCH protein (p.Leu558Val).

NM_031483.7(ITCH):c.1672C>G (p.Leu558Val)

Gene: ITCH (itchy E3 ubiquitin protein ligase; plus strand). Cytogenetic location: 20q11.22.
Variant type: single nucleotide variant.
Coding change: c.1672C>G on transcript NM_031483.7 (MANE Select); coding-DNA position 1672, C replaced by G.
Protein change: p.Leu558Val; replaces leucine 558 with valine.
Molecular consequence: missense variant.
Genome position (GRCh38, 1-based): chr20:34,479,643, C>G. VCF-style: chr20-34479643-C-G. GRCh37 (hg19) VCF-style: chr20-33067448-C-G.
Other names: c.1795C>G, p.Leu599Val (NM_001257137.3, NM_001324197.2); c.1342C>G, p.Leu448Val (NM_001257138.3); c.1672C>G, p.Leu558Val (NM_001324198.2); short protein forms L448V, L599V, L558V.
Identifiers: ClinVar variation 2086761 (VCV002086761.5), dbSNP rs2515866906, ClinGen allele CA408669334.